The following is an entry in ClinVar:

NM_012199.5(AGO1):c.1018G>C (p.Glu340Gln)

Genes: AGO1 (argonaute RISC component 1; plus strand), LOC126805695 (MED14-independent group 3 enhancer GRCh37_chr1:36359789-36360988; plus strand). Cytogenetic location: 1p34.3.
Variant type: single nucleotide variant.
Coding change: c.1018G>C on transcript NM_012199.5 (MANE Select); coding-DNA position 1018, G replaced by C.
Protein change: p.Glu340Gln; replaces glutamic acid 340 with glutamine.
Molecular consequence: missense variant.
Genome position (GRCh38, 1-based): chr1:35,895,267, G>C. VCF-style: chr1-35895267-G-C. GRCh37 (hg19) VCF-style: chr1-36360868-G-C.
Other names: c.1018G>C, p.Glu340Gln (NM_001317122.2); c.793G>C, p.Glu265Gln (NM_001317123.2); short protein forms E265Q, E340Q.
Identifiers: ClinVar variation 4756057 (VCV004756057.1).
Genomic context (GRCh38, chr1:35,895,267, plus strand): 5'-TATCCCCATCTGCCCTGCCTACAAGTTGGCCAGGAACAAAAGCATACCTACCTTCCCCTA[G>C]AGGTGAGATTGCCAAGTAATGGCTGGGGAATAGGCATTGTATATACCTGCATGCTGATCA-3'
Protein context (NP_036331.1, residues 330-350): QEQKHTYLPL[Glu340Gln]VCNIVAGQRC

ClinVar aggregate classification (germline): Uncertain significance (1 of 4 stars; one submission).

Submission:

GeneDx
Classification: Uncertain significance. Last evaluated: 2025-08-03. Review status: criteria provided, single submitter. Criteria: GeneDx Variant Classification Process June 2021. Collection method: clinical testing. Allele origin: germline. Affected: yes.
Comment: Not observed at significant frequency in large population cohorts (gnomAD); In silico analysis supports that this missense variant has a deleterious effect on protein structure/function; Has not been previously published as pathogenic or benign to our knowledge